The following is an entry in ClinVar:

NM_004333.6(BRAF):c.1681G>T (p.Ala561Ser)

Gene: BRAF (B-Raf proto-oncogene, serine/threonine kinase; minus strand). Cytogenetic location: 7q34.
Variant type: single nucleotide variant.
Coding change: c.1681G>T on transcript NM_004333.6 (MANE Select); coding-DNA position 1681, G replaced by T.
Protein change: p.Ala561Ser; replaces alanine 561 with serine.
Molecular consequence: missense variant.
Genome position (GRCh38, 1-based): chr7:140,776,925, C>A on the plus strand (G>T on the coding strand, the complement: BRAF is on the minus strand). VCF-style: chr7-140776925-C-A. GRCh37 (hg19) VCF-style: chr7-140476725-C-A.
Other names: c.1681G>T, p.Ala561Ser (NM_001354609.2, NM_001378468.1, NM_001378474.1); c.1801G>T, p.Ala601Ser (NM_001374244.1, NM_001374258.1); c.1690G>T, p.Ala564Ser (NM_001378467.1); c.1615G>T, p.Ala539Ser (NM_001378469.1); c.1579G>T, p.Ala527Ser (NM_001378470.1); c.1570G>T, p.Ala524Ser (NM_001378471.1); c.1525G>T, p.Ala509Ser (NM_001378472.1, NM_001378473.1); c.1417G>T, p.Ala473Ser (NM_001378475.1); short protein forms A473S, A509S, A524S, A527S, A539S, A561S, A564S, A601S.
Identifiers: ClinVar variation 3223978 (VCV003223978.1), dbSNP rs1800386534, ClinGen allele CA369587791.

ClinVar aggregate classification (germline): Uncertain significance (1 of 4 stars; one submission).

Conditions:
Cardiovascular phenotype. Identifiers: MedGen CN230736.

Submission:

Ambry Genetics
Classification: Uncertain significance for Cardiovascular phenotype. Last evaluated: 2024-02-06. Review status: criteria provided, single submitter. Criteria: Ambry Variant Classification Scheme 2023. Collection method: clinical testing. Allele origin: germline.
Comment: The p.A561S variant (also known as c.1681G>T), located in coding exon 13 of the BRAF gene, results from a G to T substitution at nucleotide position 1681. The alanine at codon 561 is replaced by serine, an amino acid with similar properties. This amino acid position is conserved. In addition, this alteration is predicted to be deleterious by in silico analysis. Based on the available evidence, the clinical significance of this alteration remains unclear.